The following is an entry in ClinVar:

ClinVar aggregate classification (germline): Conflicting classifications of pathogenicity. Review status: criteria provided, conflicting classifications (1 of 4 stars). 4 submissions from 4 submitters: Uncertain significance (3); Likely benign (1). Last evaluated 2025-08-17.

Conditions:
Hereditary cancer-predisposing syndrome. Also called: Hereditary Cancer Syndrome; Neoplastic Syndromes, Hereditary; Tumor predisposition; Hereditary neoplastic syndrome. Identifiers: Orphanet 140162, MedGen C0027672, MeSH D009386, MONDO:0015356.
Hereditary diffuse gastric adenocarcinoma (HDGC). Also called: DIFFUSE GASTRIC AND LOBULAR BREAST CANCER SYNDROME. Identifiers: Orphanet 26106, MedGen C1708349, MONDO:0007648, OMIM 137215.

Allele frequency attached by ClinVar (database versions not stated): gnomAD exomes below 0.00001; ExAC 0.00001; gnomAD 0.00001; TOPMed 0.00001.
gnomAD v4.1: 8 of 1,614,056 alleles (0.0005%); highest among the groups gnomAD compares: African/African-American, 0.0027%; no homozygotes.

Submissions (4):

Labcorp Genetics (formerly Invitae), Labcorp
Classification: Uncertain significance for Hereditary diffuse gastric adenocarcinoma. Last evaluated: 2025-08-17. Review status: criteria provided, single submitter. Criteria: Invitae Variant Classification Sherloc (09022015). Collection method: clinical testing. Allele origin: germline.
Comment: This sequence change replaces isoleucine, which is neutral and non-polar, with threonine, which is neutral and polar, at codon 615 of the CDH1 protein (p.Ile615Thr). This variant is present in population databases (rs760707493, gnomAD 0.003%). This variant has not been reported in the literature in individuals affected with CDH1-related conditions. ClinVar contains an entry for this variant (Variation ID: 232236). An algorithm developed to predict the effect of missense changes on protein structure and function outputs the following: PolyPhen-2: "Benign". The threonine amino acid residue is found in multiple mammalian species, which suggests that this missense change does not adversely affect protein function. In summary, the available evidence is currently insufficient to determine the role of this variant in disease. Therefore, it has been classified as a Variant of Uncertain Significance.

Ambry Genetics
Classification: Likely benign for Hereditary cancer-predisposing syndrome. Last evaluated: 2023-12-18. Review status: criteria provided, single submitter. Criteria: Ambry Variant Classification Scheme 2023. Collection method: clinical testing. Allele origin: germline.

European Reference Network on Genetic Tumour Risk Syndromes (ERN-GENTURIS), i3s - Instituto de Investigação e Inovação em Saúde, University of Porto
Classification: Uncertain significance for Hereditary diffuse gastric adenocarcinoma. Last evaluated: 2022-08-01. Review status: criteria provided, single submitter. Criteria: Lee et al. (Hum Mutat. 2018). Collection method: clinical testing. Allele origin: germline. Inheritance: Autosomal dominant inheritance. Affected: no. Study: ERN GENTURIS.
Comment: PM2 (PMID: 30311375)

GeneDx
Classification: Uncertain significance. Last evaluated: 2016-09-18. Review status: criteria provided, single submitter. Criteria: GeneDx Variant Classification (06012015). Collection method: clinical testing. Allele origin: germline. Affected: yes.
Comment: This variant is denoted CDH1 c.1844T>C at the cDNA level, p.Ile615Thr (I615T) at the protein level, and results in the change of an Isoleucine to a Threonine (ATT>ACT). This variant has not, to our knowledge, been published in the literature as pathogenic or benign. CDH1 Ile615Thr was not observed in approximately 6,500 individuals of European and African American ancestry in the NHLBI Exome Sequencing Project, suggesting it is not a common benign variant in these populations. Since Isoleucine and Threonine differ in polarity, charge, size or other properties, this is considered a non-conservative amino acid substitution. CDH1 Ile615Thr occurs at a position that is not conserved and is located in the Cadherin 5 domain (UniProt). In silico analyses predict that this variant is unlikely to alter protein structure or function. Based on currently available evidence, it is unclear whether CDH1 Ile615Thr is a pathogenic or benign variant. We consider it to be a variant of uncertain significance.

Literature cited by the submitters: PubMed 36436516 (cited by European Reference Network on Genetic Tumour Risk Syndromes (ERN-GENTURIS), i3s - Instituto de Investigação e Inovação em Saúde, University of Porto).

NM_004360.5(CDH1):c.1844T>C (p.Ile615Thr)

Gene: CDH1 (cadherin 1; plus strand). Cytogenetic location: 16q22.1.
Variant type: single nucleotide variant.
Coding change: c.1844T>C on transcript NM_004360.5 (MANE Select); coding-DNA position 1844, T replaced by C.
Protein change: p.Ile615Thr; replaces isoleucine 615 with threonine.
Molecular consequence: missense variant. On other transcripts: 5 prime UTR variant (1).
Genome position (GRCh38, 1-based): chr16:68,822,133, T>C. VCF-style: chr16-68822133-T-C. GRCh37 (hg19) VCF-style: chr16-68856036-T-C.
Other names: c.1844T>C (LRG_301t1, NM_004360.4); c.1661T>C, p.Ile554Thr (NM_001317184.2); c.296T>C, p.Ile99Thr (NM_001317185.2); c.-122T>C (NM_001317186.2); short protein forms I615T, I554T, I99T.
Identifiers: ClinVar variation 232236 (VCV000232236.16), dbSNP rs760707493, ClinGen allele CA8130158.